The following is an entry in ClinVar:

ClinVar aggregate classification (germline): Uncertain significance (1 of 4 stars; one submission).

Allele frequency attached by ClinVar (database versions not stated): ExAC 0.00001; gnomAD 0.00001; gnomAD exomes 0.00001; TOPMed 0.00001.
gnomAD v4.1: 4 of 1,613,840 alleles (0.00025%); highest among the groups gnomAD compares: East Asian, 0.0022%; no homozygotes.

Submission:

Labcorp Genetics (formerly Invitae), Labcorp
Classification: Uncertain significance. Last evaluated: 2023-05-23. Review status: criteria provided, single submitter. Criteria: Invitae Variant Classification Sherloc (09022015). Collection method: clinical testing. Allele origin: germline.
Comment: In summary, the available evidence is currently insufficient to determine the role of this variant in disease. Therefore, it has been classified as a Variant of Uncertain Significance. Variants that disrupt the consensus splice site are a relatively common cause of aberrant splicing (PMID: 17576681, 9536098). Algorithms developed to predict the effect of sequence changes on RNA splicing suggest that this variant may disrupt the consensus splice site. This variant has not been reported in the literature in individuals affected with DDR2-related conditions. This variant is present in population databases (rs774724797, gnomAD 0.01%). This sequence change affects codon 139 of the DDR2 mRNA. It is a 'silent' change, meaning that it does not change the encoded amino acid sequence of the DDR2 protein. This variant also falls at the last nucleotide of exon 5, which is part of the consensus splice site for this exon.

Literature cited by the submitters: PubMed 17576681; PubMed 9536098.

NM_006182.4(DDR2):c.417G>A (p.Gln139=)

Gene: DDR2 (discoidin domain receptor tyrosine kinase 2; plus strand). Cytogenetic location: 1q23.3.
Variant type: single nucleotide variant.
Coding change: c.417G>A on transcript NM_006182.4 (MANE Select); coding-DNA position 417, G replaced by A.
Protein change: p.Gln139=; no amino-acid change (glutamine 139 retained).
Molecular consequence: synonymous variant.
Genome position (GRCh38, 1-based): chr1:162,754,855, G>A. VCF-style: chr1-162754855-G-A. GRCh37 (hg19) VCF-style: chr1-162724645-G-A.
Other names: c.417G>A, p.Gln139= (NM_001014796.3, NM_001354982.2, NM_001354983.2).
Identifiers: ClinVar variation 3021925 (VCV003021925.1), dbSNP rs774724797, ClinGen allele CA1217229.